The following is an entry in ClinVar:

ClinVar aggregate classification (germline): Benign/Likely benign. Review status: criteria provided, multiple submitters, no conflicts (2 of 4 stars). 5 submissions from 5 submitters: Benign (1); Likely benign (4). Last evaluated 2025-12-14.

Conditions:
Achondrogenesis type II (ACG2). Also called: ACHONDROGENESIS, LANGER-SALDINO TYPE; CHONDROGENESIS IMPERFECTA. Identifiers: Orphanet 932, Orphanet 93296, MedGen C0220685, MONDO:0008702, OMIM 200610.
Spondyloperipheral dysplasia. Also called: SPONDYLOPERIPHERAL DYSPLASIA WITH SHORT ULNA; Spondyloperipheral dysplasia-short ulna syndrome. Identifiers: Orphanet 1856, MedGen C0796173, MONDO:0010078, OMIM 271700.
Stickler syndrome type 1 (STL1). Also called: STICKLER SYNDROME, MEMBRANOUS VITREOUS TYPE; STICKLER SYNDROME, VITREOUS TYPE 1; ARTHROOPHTHALMOPATHY, HEREDITARY PROGRESSIVE; COL2A1-Related Stickler Syndrome. Identifiers: Orphanet 828, Orphanet 90653, MedGen C2020284, MONDO:0007160, OMIM 108300.
Platyspondylic dysplasia, Torrance type (PLSDT). Identifiers: Orphanet 85166, MedGen C1835437, MONDO:0007895, OMIM 151210.
Spondylometaphyseal dysplasia - Sutcliffe type. Also called: Sutcliffe type of spondylometaphyseal dysplasia; Sutcliffe SMD; Spondylometaphyseal Dysplasia, Corner Fracture Type; Spondylometaphyseal dysplasia, 'corner fracture' type. Identifiers: Orphanet 93315, MedGen C0432221, MONDO:0008479, OMIM 184255.
Avascular necrosis of femoral head, primary, 1 (ANFH1). Also called: Avascular necrosis of femoral head, primary. Identifiers: Orphanet 86820, MedGen C4551562, MONDO:0054550, OMIM 608805.
Spondyloepiphyseal dysplasia congenita (SEDC). Also called: SED CONGENITA; SPONDYLOEPIPHYSEAL DYSPLASIA, CONGENITAL TYPE. Identifiers: Orphanet 94068, MedGen C2745959, MONDO:0008471, OMIM 183900.
Spondyloepiphyseal dysplasia, Stanescu type. Also called: SED, STANESCU TYPE; SPONDYLOEPIMETAPHYSEAL DYSPLASIA, STANESCU TYPE. Identifiers: Orphanet 459051, MedGen C4225273, MONDO:0014701, OMIM 616583.
Namaqualand hip dysplasia (OSCDP). Also called: Mild spondyloepiphyseal dysplasia due to COL2A1 mutation with early-onset osteoarthritis. Identifiers: Orphanet 93279, MedGen C0432214, MONDO:0011496, OMIM 604864.
Spondyloepiphyseal dysplasia with metatarsal shortening. Also called: Pseudorheumatoid dysplasia progressive, with hypoplastic toes; CZECH DYSPLASIA, METATARSAL TYPE; SPONDYLOEPIPHYSEAL DYSPLASIA WITH PRECOCIOUS OSTEOARTHRITIS. Identifiers: Orphanet 137678, MedGen C1836683, MONDO:0012206, OMIM 609162.
Stickler syndrome, type I, nonsyndromic ocular. Also called: STICKLER SYNDROME, TYPE I, PREDOMINANTLY OCULAR; STICKLER SYNDROME, ATYPICAL. Identifiers: MedGen C1836080, MONDO:0012287, OMIM 609508.
Spondyloepimetaphyseal dysplasia, Strudwick type (SEMDSTWK). Also called: STRUDWICK SYNDROME; DAPPLED METAPHYSIS SYNDROME. Identifiers: Orphanet 93346, MedGen C0700635, MONDO:0008476, OMIM 184250.
Multiple epiphyseal dysplasia, Beighton type. Identifiers: Orphanet 166011, MedGen C1851536, MONDO:0007562, OMIM 132450.
Legg-Calve-Perthes disease. Also called: PERTHES DISEASE; Osteochondritis deformans; Coxa plana; Avascular necrosis of the capital femoral epiphysis. Identifiers: Orphanet 2380, MedGen C1442965, MONDO:0007885, OMIM 150600, HP:0005743.
Kniest dysplasia. Identifiers: Orphanet 485, MedGen C0265279, MONDO:0007987, OMIM 156550.
Vitreoretinopathy with phalangeal epiphyseal dysplasia (VPED). Identifiers: MedGen C1852989, MONDO:0031001, OMIM 619248.

Allele frequency attached by ClinVar (database versions not stated): ExAC 0.00013; gnomAD exomes 0.00014 and 0.00015; gnomAD 0.00036; TOPMed 0.00045; ESP Exome Variant Server 0.00062; 1000 Genomes Project 0.00080; 1000 Genomes Project 30x 0.00094.
gnomAD v4.1: 269 of 1,614,102 alleles (0.017%); highest among the groups gnomAD compares: African/African-American, 0.13%; 2 homozygotes.

Submissions (5):

Labcorp Genetics (formerly Invitae), Labcorp
Classification: Likely benign. Last evaluated: 2025-12-14. Review status: criteria provided, single submitter. Criteria: Invitae Variant Classification Sherloc (09022015). Collection method: clinical testing. Allele origin: germline.

ARUP Laboratories, Molecular Genetics and Genomics, ARUP Laboratories
Classification: Likely benign. Last evaluated: 2025-03-31. Review status: criteria provided, single submitter. Criteria: ARUP Molecular Germline Variant Investigation Process 2024. Collection method: clinical testing. Allele origin: germline.

Blueprint Genetics
Classification: Likely benign. Last evaluated: 2024-06-14. Review status: criteria provided, single submitter. Criteria: ACMG Guidelines, 2015. Collection method: clinical testing. Allele origin: germline.

Fulgent Genetics
Classification: Benign for Stickler syndrome type 1; Multiple epiphyseal dysplasia, Beighton type; Legg-Calve-Perthes disease; Platyspondylic dysplasia, Torrance type; Kniest dysplasia; Spondyloepiphyseal dysplasia congenita; Spondyloepimetaphyseal dysplasia, Strudwick type; Spondylometaphyseal dysplasia - Sutcliffe type; Achondrogenesis type II; Spondyloperipheral dysplasia; Namaqualand hip dysplasia; Avascular necrosis of femoral head, primary, 1; Spondyloepiphyseal dysplasia with metatarsal shortening; Stickler syndrome, type I, nonsyndromic ocular; Spondyloepiphyseal dysplasia, Stanescu type; Vitreoretinopathy with phalangeal epiphyseal dysplasia. Last evaluated: 2022-05-20. Review status: criteria provided, single submitter. Criteria: ACMG Guidelines, 2015. Collection method: clinical testing. Allele origin: unknown.

GeneDx
Classification: Likely benign. Last evaluated: 2017-11-20. Review status: criteria provided, single submitter. Criteria: GeneDx Variant Classification (06012015). Collection method: clinical testing. Allele origin: germline. Affected: yes.
Comment: This variant is considered likely benign or benign based on one or more of the following criteria: it is a conservative change, it occurs at a poorly conserved position in the protein, it is predicted to be benign by multiple in silico algorithms, and/or has population frequency not consistent with disease.

NM_001844.5(COL2A1):c.870+11C>T

Gene: COL2A1 (collagen type II alpha 1 chain; minus strand). Cytogenetic location: 12q13.11.
Variant type: single nucleotide variant.
Coding change: c.870+11C>T on transcript NM_001844.5 (MANE Select); 11 bases into the intron after coding-DNA position 870, C replaced by T.
Molecular consequence: intron variant.
Genome position (GRCh38, 1-based): chr12:47,993,983, G>A on the plus strand (C>T on the coding strand, the complement: COL2A1 is on the minus strand). VCF-style: chr12-47993983-G-A. GRCh37 (hg19) VCF-style: chr12-48387766-G-A.
Other names: c.663+11C>T (NM_033150.3).
Identifiers: ClinVar variation 513411 (VCV000513411.12), dbSNP rs191695664, ClinGen allele CA6535748.